The following is an entry in ClinVar:

NM_006922.4(SCN3A):c.2965T>G (p.Ser989Ala)

Gene: SCN3A (sodium voltage-gated channel alpha subunit 3; minus strand). Cytogenetic location: 2q24.3.
Variant type: single nucleotide variant.
Coding change: c.2965T>G on transcript NM_006922.4 (MANE Select); coding-DNA position 2965, T replaced by G.
Protein change: p.Ser989Ala; replaces serine 989 with alanine.
Molecular consequence: missense variant.
Genome position (GRCh38, 1-based): chr2:165,128,059, A>C on the plus strand (T>G on the coding strand, the complement: SCN3A is on the minus strand). VCF-style: chr2-165128059-A-C. GRCh37 (hg19) VCF-style: chr2-165984569-A-C.
Other names: c.2818T>G, p.Ser940Ala (NM_001081676.2, NM_001081677.2); short protein forms S940A, S989A.
Identifiers: ClinVar variation 4855709 (VCV004855709.1).

ClinVar aggregate classification (germline): Uncertain significance (1 of 4 stars; one submission).

Conditions:
Epilepsy, familial focal, with variable foci 4 (FFEVF4). Identifiers: MedGen C4693694, MONDO:0054776, OMIM 617935.

Submission:

3billion
Classification: Uncertain significance for Epilepsy, familial focal, with variable foci 4. Last evaluated: 2026-01-21. Review status: criteria provided, single submitter. Criteria: ACMG Guidelines, 2015. Collection method: clinical testing. Allele origin: germline. Affected: yes.
Comment: The variant is not observed in the gnomAD v4.1.0 dataset. Predicted Consequence/Location: Missense variant. Missense changes are a common disease-causing mechanism. In silico tool predictions suggest damaging effect of the variant on gene or gene product [3Cnet: 0.92 (> 0.75, sensitivity 0.96 and precision 0.92)]. Therefore, this variant is classified as VUS according to the recommendation of ACMG/AMP guideline.